The following is an entry in ClinVar:

NM_001204872.2(NPEPL1):c.-41-261G>A

Genes: NPEPL1 (aminopeptidase like 1; plus strand), STX16-NPEPL1 (STX16-NPEPL1 readthrough (NMD candidate); plus strand). Cytogenetic location: 20q13.32.
Variant type: single nucleotide variant.
Coding change: c.-41-261G>A on transcript NM_001204872.2; 261 bases into the intron before 41 bases upstream of the start codon, G replaced by A.
Molecular consequence: intron variant. On other transcripts: non-coding transcript variant (1).
Genome position (GRCh38, 1-based): chr20:58,691,463, G>A. VCF-style: chr20-58691463-G-A. GRCh37 (hg19) VCF-style: chr20-57266519-G-A.
Other names: c.-51-261G>A (NM_001204873.2).
Identifiers: ClinVar variation 2652433 (VCV002652433.22), dbSNP rs148892415, ClinGen allele CA9925537.

ClinVar aggregate classification (germline): Likely benign (1 of 4 stars; one submission).

Allele frequency attached by ClinVar (database versions not stated): 1000 Genomes Project 30x 0.00281; gnomAD 0.00539; ExAC 0.00204; 1000 Genomes Project 0.00240; TOPMed 0.00578.
gnomAD v4.1: 3,385 of 648,678 alleles (0.52%); highest among the groups gnomAD compares: Admixed American, 0.9%; 21 homozygotes.

Submission:

CeGaT Center for Human Genetics Tuebingen
Classification: Likely benign. Last evaluated: 2022-12-01. Review status: criteria provided, single submitter. Criteria: CeGaT Center For Human Genetics Tuebingen Variant Classification Criteria Version 2. Collection method: clinical testing. Allele origin: germline. Affected: yes. Observed: 1 variant allele.
Comment: NPEPL1: BS2